The following is an entry in ClinVar:

ClinVar aggregate classification (germline): Uncertain significance (1 of 4 stars; one submission).

Conditions:
Legius syndrome. Identifiers: Orphanet 137605, MedGen C1969623, MONDO:0012669, OMIM 611431. Disease mechanism: loss of function.

Submission:

Labcorp Genetics (formerly Invitae), Labcorp
Classification: Uncertain significance for Legius syndrome. Last evaluated: 2020-10-25. Review status: criteria provided, single submitter. Criteria: Invitae Variant Classification Sherloc (09022015). Collection method: clinical testing. Allele origin: germline.
Comment: In summary, the available evidence is currently insufficient to determine the role of this variant in disease. Therefore, it has been classified as a Variant of Uncertain Significance. Algorithms developed to predict the effect of missense changes on protein structure and function (SIFT, PolyPhen-2, Align-GVGD) all suggest that this variant is likely to be disruptive, but these predictions have not been confirmed by published functional studies and their clinical significance is uncertain. This variant has not been reported in the literature in individuals with SPRED1-related conditions. This variant is not present in population databases (ExAC no frequency). This sequence change replaces asparagine with lysine at codon 249 of the SPRED1 protein (p.Asn249Lys). The asparagine residue is highly conserved and there is a moderate physicochemical difference between asparagine and lysine.

NM_152594.3(SPRED1):c.747C>G (p.Asn249Lys)

Gene: SPRED1 (sprouty related EVH1 domain containing 1; plus strand). Cytogenetic location: 15q14.
Variant type: single nucleotide variant.
Coding change: c.747C>G on transcript NM_152594.3 (MANE Select); coding-DNA position 747, C replaced by G.
Protein change: p.Asn249Lys; replaces asparagine 249 with lysine.
Molecular consequence: missense variant.
Genome position (GRCh38, 1-based): chr15:38,351,076, C>G. VCF-style: chr15-38351076-C-G. GRCh37 (hg19) VCF-style: chr15-38643277-C-G.
Other names: short protein forms N249K.
Identifiers: ClinVar variation 999996 (VCV000999996.9), dbSNP rs1888472576, ClinGen allele CA391933152.